The following is an entry in ClinVar:

NM_024753.5(TTC21B):c.3405G>A (p.Gln1135=)

Gene: TTC21B (tetratricopeptide repeat domain 21B; minus strand). Cytogenetic location: 2q24.3.
Variant type: single nucleotide variant.
Coding change: c.3405G>A on transcript NM_024753.5 (MANE Select); coding-DNA position 3405, G replaced by A.
Protein change: p.Gln1135=; no amino-acid change (glutamine 1135 retained).
Molecular consequence: synonymous variant.
Genome position (GRCh38, 1-based): chr2:165,888,333, C>T on the plus strand (G>A on the coding strand, the complement: TTC21B is on the minus strand). VCF-style: chr2-165888333-C-T. GRCh37 (hg19) VCF-style: chr2-166744843-C-T.
Identifiers: ClinVar variation 4993566 (VCV004993566.1).

ClinVar aggregate classification (germline): Likely benign (1 of 4 stars; one submission).

Conditions:
TTC21B-related disorder. Also called: TTC21B-related condition; TTC21B-related disorders.

Submission:

PreventionGenetics, part of Exact Sciences
Classification: Likely benign for TTC21B-related condition. Last evaluated: 2026-07-28. Review status: criteria provided, single submitter. Criteria: ACMG Guidelines, 2015. Collection method: clinical testing. Allele origin: germline.
Comment: This variant is classified as likely benign based on ACMG/AMP sequence variant interpretation guidelines (Richards et al. 2015 PMID: 25741868, with internal and published modifications).